The following is an entry in ClinVar:

NM_000789.4(ACE):c.1510C>T (p.Pro504Ser)

Gene: ACE (angiotensin I converting enzyme; plus strand). Cytogenetic location: 17q23.3.
Variant type: single nucleotide variant.
Coding change: c.1510C>T on transcript NM_000789.4 (MANE Select); coding-DNA position 1510, C replaced by T.
Protein change: p.Pro504Ser; replaces proline 504 with serine.
Molecular consequence: missense variant.
Genome position (GRCh38, 1-based): chr17:63,483,482, C>T. VCF-style: chr17-63483482-C-T. GRCh37 (hg19) VCF-style: chr17-61560843-C-T.
Other names: short protein forms P504S.
Identifiers: ClinVar variation 888835 (VCV000888835.21), dbSNP rs778204413, ClinGen allele CA8699584.

ClinVar aggregate classification (germline): Uncertain significance. Review status: criteria provided, multiple submitters, no conflicts (2 of 4 stars). 3 submissions from 3 submitters: Uncertain significance (3). Last evaluated 2024-10-01.

Conditions:
Microvascular complications of diabetes, susceptibility to, 3. Identifiers: MedGen C2675470, MONDO:0012963, OMIM 612624.
Hemorrhage, intracerebral, susceptibility to (ICH). Also called: Stroke, hemorrhagic, susceptibility to. Identifiers: MedGen C3281105, MONDO:0100533, OMIM 614519.
Renal tubular dysgenesis of genetic origin. Also called: PRIMITIVE RENAL TUBULE SYNDROME. Identifiers: Orphanet 97369, MedGen C5681536, MONDO:0009970, OMIM 267430.
Renal tubular dysgenesis. Also called: Renotubular dysgenesis. Identifiers: Orphanet 3033, MedGen C0266313, MONDO:0017609, HP:0008660.

Allele frequency attached by ClinVar (database versions not stated): ExAC 0.00001; gnomAD exomes 0.00001 and 0.00002.
gnomAD v4.1: 17 of 1,613,948 alleles (0.0011%); highest among the groups gnomAD compares: Non-Finnish European, 0.0013%; no homozygotes.

Submissions (3):

Labcorp Genetics (formerly Invitae), Labcorp
Classification: Uncertain significance. Last evaluated: 2024-10-01. Review status: criteria provided, single submitter. Criteria: Invitae Variant Classification Sherloc (09022015). Collection method: clinical testing. Allele origin: germline.
Comment: This sequence change replaces proline, which is neutral and non-polar, with serine, which is neutral and polar, at codon 504 of the ACE protein (p.Pro504Ser). This variant is present in population databases (rs778204413, gnomAD 0.003%). This variant has not been reported in the literature in individuals affected with ACE-related conditions. ClinVar contains an entry for this variant (Variation ID: 888835). Invitae Evidence Modeling of protein sequence and biophysical properties (such as structural, functional, and spatial information, amino acid conservation, physicochemical variation, residue mobility, and thermodynamic stability) indicates that this missense variant is not expected to disrupt ACE protein function with a negative predictive value of 80%. In summary, the available evidence is currently insufficient to determine the role of this variant in disease. Therefore, it has been classified as a Variant of Uncertain Significance.

Fulgent Genetics
Classification: Uncertain significance for Renal tubular dysgenesis of genetic origin; Microvascular complications of diabetes, susceptibility to, 3; Hemorrhage, intracerebral, susceptibility to. Last evaluated: 2021-09-02. Review status: criteria provided, single submitter. Criteria: ACMG Guidelines, 2015. Collection method: clinical testing. Allele origin: unknown.

Illumina Laboratory Services, Illumina
Classification: Uncertain significance for Renal tubular dysgenesis of genetic origin. Last evaluated: 2018-01-12. Review status: criteria provided, single submitter. Criteria: ICSL Variant Classification Criteria 13 December 2019. Collection method: clinical testing. Allele origin: germline.